The following is an entry in ClinVar:

NM_198271.5(LMOD3):c.135C>T (p.Asp45=)

Genes: LMOD3 (leiomodin 3; minus strand), LOC126806710 (CDK7 strongly-dependent group 2 enhancer GRCh37_chr3:69170601-69171800; plus strand). Cytogenetic location: 3p14.1.
Variant type: single nucleotide variant.
Coding change: c.135C>T on transcript NM_198271.5 (MANE Select); coding-DNA position 135, C replaced by T.
Protein change: p.Asp45=; no amino-acid change (aspartic acid 45 retained).
Molecular consequence: synonymous variant.
Genome position (GRCh38, 1-based): chr3:69,122,252, G>A on the plus strand (C>T on the coding strand, the complement: LMOD3 is on the minus strand). VCF-style: chr3-69122252-G-A. GRCh37 (hg19) VCF-style: chr3-69171403-G-A.
Other names: c.135C>T, p.Asp45= (NM_001304418.3).
Identifiers: ClinVar variation 475303 (VCV000475303.15), dbSNP rs138906041, ClinGen allele CA2489069.

ClinVar aggregate classification (germline): Benign/Likely benign. Review status: criteria provided, multiple submitters, no conflicts (2 of 4 stars). 4 submissions from 4 submitters: Benign (1); Likely benign (3). Last evaluated 2026-01-19.

Conditions:
LMOD3-related disorder. Also called: LMOD3-related condition.
Nemaline myopathy 10 (NEM10). Identifiers: MedGen C4015360, MONDO:0014513, OMIM 616165.

Allele frequency attached by ClinVar (database versions not stated): gnomAD 0.00198 and 0.00181; 1000 Genomes Project 30x 0.00203; gnomAD exomes 0.00017 and 0.00040; ExAC 0.00045; 1000 Genomes Project 0.00120; ESP Exome Variant Server 0.00142; TOPMed 0.00189.
gnomAD v4.1: 529 of 1,613,644 alleles (0.033%); highest among the groups gnomAD compares: African/African-American, 0.65%; no homozygotes.

Submissions (4):

Labcorp Genetics (formerly Invitae), Labcorp
Classification: Benign for Nemaline myopathy 10. Last evaluated: 2026-01-19. Review status: criteria provided, single submitter. Criteria: Invitae Variant Classification Sherloc (09022015). Collection method: clinical testing. Allele origin: germline.

PreventionGenetics, part of Exact Sciences
Classification: Likely benign for LMOD3-related condition. Last evaluated: 2024-10-11. Review status: criteria provided, single submitter. Criteria: ACMG Guidelines, 2015. Collection method: clinical testing. Allele origin: germline.
Comment: This variant is classified as likely benign based on ACMG/AMP sequence variant interpretation guidelines (Richards et al. 2015 PMID: 25741868, with internal and published modifications).

GeneDx
Classification: Likely benign. Last evaluated: 2021-05-14. Review status: criteria provided, single submitter. Criteria: GeneDx Variant Classification Process June 2021. Collection method: clinical testing. Allele origin: germline. Affected: yes.

Breakthrough Genomics
Classification: Likely benign. Review status: criteria provided, single submitter. Criteria: ACMG Guidelines, 2015. Collection method: not provided. Allele origin: germline. Inheritance: Autosomal recessive inheritance. Affected: yes.